The following is an entry in ClinVar:

ClinVar aggregate classification (germline): Uncertain significance (1 of 4 stars; one submission).

Conditions:
DRC4-related condition.

gnomAD v4.1: 4 of 1,612,712 alleles (0.00025%); highest among the groups gnomAD compares: Admixed American, 0.0017%; no homozygotes.

Submission:

PreventionGenetics, part of Exact Sciences
Classification: Uncertain significance for DRC4-related condition. Last evaluated: 2025-08-05. Review status: criteria provided, single submitter. Criteria: ACMG Guidelines, 2015. Collection method: clinical testing. Allele origin: germline.
Comment: The DRC4 c.493C>G variant is predicted to result in the amino acid substitution p.Leu165Val. To our knowledge, this variant has not been reported in the literature. This variant is reported in 0.0029% of alleles in individuals of Latino descent in gnomAD. At this time, the clinical significance of this variant is uncertain due to the absence of conclusive functional and genetic evidence.

NM_001481.3(DRC4):c.493C>G (p.Leu165Val)

Gene: DRC4 (dynein regulatory complex subunit 4; plus strand). Cytogenetic location: 16q24.3.
Variant type: single nucleotide variant.
Coding change: c.493C>G on transcript NM_001481.3 (MANE Select); coding-DNA position 493, C replaced by G.
Protein change: p.Leu165Val; replaces leucine 165 with valine.
Molecular consequence: missense variant. On other transcripts: 5 prime UTR variant (1).
Genome position (GRCh38, 1-based): chr16:90,032,922, C>G. VCF-style: chr16-90032922-C-G. GRCh37 (hg19) VCF-style: chr16-90099330-C-G.
Other names: c.244C>G, p.Leu82Val (NM_001286205.2); c.-29C>G (NM_001286208.2); c.418C>G, p.Leu140Val (NM_001286209.2); short protein forms L140V, L165V, L82V.
Identifiers: ClinVar variation 4981715 (VCV004981715.1).